The following is an entry in ClinVar:

ClinVar aggregate classification (germline): Uncertain significance (1 of 4 stars; one submission).

Allele frequency attached by ClinVar (database versions not stated): TOPMed below 0.00001.

Submission:

Labcorp Genetics (formerly Invitae), Labcorp
Classification: Uncertain significance. Last evaluated: 2024-02-23. Review status: criteria provided, single submitter. Criteria: Invitae Variant Classification Sherloc (09022015). Collection method: clinical testing. Allele origin: germline.
Comment: This sequence change replaces serine, which is neutral and polar, with glycine, which is neutral and non-polar, at codon 1488 of the SZT2 protein (p.Ser1488Gly). This variant is not present in population databases (gnomAD no frequency). This variant has not been reported in the literature in individuals affected with SZT2-related conditions. ClinVar contains an entry for this variant (Variation ID: 1408225). Advanced modeling of protein sequence and biophysical properties (such as structural, functional, and spatial information, amino acid conservation, physicochemical variation, residue mobility, and thermodynamic stability) has been performed at Invitae for this missense variant, however the output from this modeling did not meet the statistical confidence thresholds required to predict the impact of this variant on SZT2 protein function. In summary, the available evidence is currently insufficient to determine the role of this variant in disease. Therefore, it has been classified as a Variant of Uncertain Significance.

NM_001365999.1(SZT2):c.4633A>G (p.Ser1545Gly)

Gene: SZT2 (SZT2 subunit of KICSTOR complex; plus strand). Cytogenetic location: 1p34.2.
Variant type: single nucleotide variant.
Coding change: c.4633A>G on transcript NM_001365999.1 (MANE Select); coding-DNA position 4633, A replaced by G.
Protein change: p.Ser1545Gly; replaces serine 1545 with glycine.
Molecular consequence: missense variant.
Genome position (GRCh38, 1-based): chr1:43,430,648, A>G. VCF-style: chr1-43430648-A-G. GRCh37 (hg19) VCF-style: chr1-43896319-A-G.
Other names: c.4462A>G, p.Ser1488Gly (NM_015284.4); short protein forms S1488G, S1545G.
Identifiers: ClinVar variation 1408225 (VCV001408225.7), dbSNP rs1653757758, ClinGen allele CA340022389.